The following is an entry in ClinVar:

NM_000171.4(GLRA1):c.1235C>T (p.Ala412Val)

Gene: GLRA1 (glycine receptor alpha 1; minus strand). Cytogenetic location: 5q33.1.
Variant type: single nucleotide variant.
Coding change: c.1235C>T on transcript NM_000171.4 (MANE Select); coding-DNA position 1235, C replaced by T.
Protein change: p.Ala412Val; replaces alanine 412 with valine.
Molecular consequence: missense variant.
Genome position (GRCh38, 1-based): chr5:151,822,788, G>A on the plus strand (C>T on the coding strand, the complement: GLRA1 is on the minus strand). VCF-style: chr5-151822788-G-A. GRCh37 (hg19) VCF-style: chr5-151202349-G-A.
Other names: c.1259C>T, p.Ala420Val (NM_001146040.2); c.986C>T, p.Ala329Val (NM_001292000.2); short protein forms A329V, A420V, A412V.
Identifiers: ClinVar variation 4759196 (VCV004759196.1).

ClinVar aggregate classification (germline): Uncertain significance (1 of 4 stars; one submission).

Conditions:
Hereditary hyperekplexia. Identifiers: Orphanet 3197, MedGen C4084968, MONDO:0021022.

gnomAD v4.1: 2 of 1,613,954 alleles (0.00012%); highest among the groups gnomAD compares: South Asian, 0.0011%; no homozygotes.

Submission:

Labcorp Genetics (formerly Invitae), Labcorp
Classification: Uncertain significance for Hereditary hyperekplexia. Last evaluated: 2025-06-29. Review status: criteria provided, single submitter. Criteria: Invitae Variant Classification Sherloc (09022015). Collection method: clinical testing. Allele origin: germline.
Comment: This sequence change replaces alanine, which is neutral and non-polar, with valine, which is neutral and non-polar, at codon 412 of the GLRA1 protein (p.Ala412Val). This variant is not present in population databases (gnomAD no frequency). This variant has not been reported in the literature in individuals affected with GLRA1-related conditions. Invitae Evidence Modeling of protein sequence and biophysical properties (such as structural, functional, and spatial information, amino acid conservation, physicochemical variation, residue mobility, and thermodynamic stability) indicates that this missense variant is not expected to disrupt GLRA1 protein function with a negative predictive value of 80%. In summary, the available evidence is currently insufficient to determine the role of this variant in disease. Therefore, it has been classified as a Variant of Uncertain Significance.